The following is an entry in ClinVar:

NM_001352754.2(ARMC9):c.2014C>A (p.Pro672Thr)

Gene: ARMC9 (armadillo repeat containing 9; plus strand). Cytogenetic location: 2q37.1.
Variant type: single nucleotide variant.
Coding change: c.2014C>A on transcript NM_001352754.2 (MANE Select); coding-DNA position 2014, C replaced by A.
Protein change: p.Pro672Thr; replaces proline 672 with threonine.
Molecular consequence: missense variant.
Genome position (GRCh38, 1-based): chr2:231,355,817, C>A. VCF-style: chr2-231355817-C-A. GRCh37 (hg19) VCF-style: chr2-232220529-C-A.
Other names: c.2014C>A, p.Pro672Thr (NM_001271466.4); short protein forms P672T.
Identifiers: ClinVar variation 1995632 (VCV001995632.4), dbSNP rs1459536615, ClinGen allele CA350957607.

ClinVar aggregate classification (germline): Uncertain significance (1 of 4 stars; one submission).

Submission:

Labcorp Genetics (formerly Invitae), Labcorp
Classification: Uncertain significance. Last evaluated: 2022-05-17. Review status: criteria provided, single submitter. Criteria: Invitae Variant Classification Sherloc (09022015). Collection method: clinical testing. Allele origin: germline.
Comment: Experimental studies and prediction algorithms are not available or were not evaluated, and the functional significance of this variant is currently unknown. In summary, the available evidence is currently insufficient to determine the role of this variant in disease. Therefore, it has been classified as a Variant of Uncertain Significance. This variant has not been reported in the literature in individuals affected with ARMC9-related conditions. This variant is not present in population databases (gnomAD no frequency). This sequence change replaces proline, which is neutral and non-polar, with threonine, which is neutral and polar, at codon 672 of the ARMC9 protein (p.Pro672Thr).